The following is an entry in ClinVar:

NM_001114753.3(ENG):c.1508C>T (p.Thr503Ile)

Genes: ENG (endoglin; minus strand), LOC102723566 (uncharacterized LOC102723566; plus strand). Cytogenetic location: 9q34.11.
Variant type: single nucleotide variant.
Coding change: c.1508C>T on transcript NM_001114753.3 (MANE Select); coding-DNA position 1508, C replaced by T.
Protein change: p.Thr503Ile; replaces threonine 503 with isoleucine.
Molecular consequence: missense variant.
Genome position (GRCh38, 1-based): chr9:127,818,298, G>A on the plus strand (C>T on the coding strand, the complement: ENG is on the minus strand). VCF-style: chr9-127818298-G-A. GRCh37 (hg19) VCF-style: chr9-130580577-G-A.
Other names: c.1508C>T, p.Thr503Ile (NM_000118.4); c.962C>T, p.Thr321Ile (NM_001278138.2); short protein forms T321I, T503I.
Identifiers: ClinVar variation 4870419 (VCV004870419.1).

ClinVar aggregate classification (germline): Uncertain significance (1 of 4 stars; one submission).

Conditions:
Cardiovascular phenotype. Identifiers: MedGen CN230736.

Submission:

Ambry Genetics
Classification: Uncertain significance for Cardiovascular phenotype. Last evaluated: 2026-05-15. Review status: criteria provided, single submitter. Criteria: Ambry Variant Classification Scheme 2023. Collection method: clinical testing. Allele origin: germline.
Comment: The p.T503I variant (also known as c.1508C>T), located in coding exon 12 of the ENG gene, results from a C to T substitution at nucleotide position 1508. The threonine at codon 503 is replaced by isoleucine, an amino acid with similar properties. This amino acid position is conserved. In addition, this alteration is predicted to be tolerated by in silico analysis. Based on the available evidence, the clinical significance of this variant remains unclear.